The following is an entry in ClinVar:

ClinVar aggregate classification (germline): Uncertain significance. Review status: criteria provided, single submitter (1 of 4 stars). 2 submissions from 2 submitters: Uncertain significance (1). 1 of the submissions does not count toward it. Last evaluated 2025-07-16.

Conditions:
Congenital anomaly of kidney and urinary tract. Also called: Congenital anomalies of the kidney and urinary tract; Congenital anomalies of kidney and urinary tract. Identifiers: Orphanet 93545, MedGen C1968949, MeSH C566906, MONDO:0019719.

Allele frequency attached by ClinVar (database versions not stated): TOPMed 0.00002.
gnomAD v4.1: 15 of 1,612,324 alleles (0.00093%); highest among the groups gnomAD compares: South Asian, 0.0033%; no homozygotes.

Submissions (2):

Ambry Genetics
Classification: Uncertain significance. Last evaluated: 2025-07-16. Review status: criteria provided, single submitter. Criteria: Ambry Variant Classification Scheme 2023. Collection method: clinical testing. Allele origin: germline.

Sydney Genome Diagnostics, Children's Hospital Westmead
Classification: Uncertain significance for Congenital anomaly of kidney and urinary tract. Last evaluated: 2019-01-10. Review status: no assertion criteria provided. Collection method: clinical testing. Allele origin: unknown. Affected: yes. Observed: 1 variant allele, 1 heterozygote. Not counted in ClinVar's aggregate classification.
Comment: To our knowledge, this variant has not been previously reported in the literature or any disease specific databases to be a disease causing variant. This variant has been reported in the gnomAD browser with a very low allele frequency of 0.001% (4 out of 244,450 alleles). In silico analysis of pathogenicity (through Alamut Visual v2.8.1) is inconclusive regarding this change; MutationTaster predicts this variant to be pathogenic whereas PolyPhen2 & SIFT predict that this variant is likely to be benign. This variant is considered to be a variant of uncertain clinical significance (VOUS) according to the ACMG guidelines (evidence used: PM2).

NM_020762.4(SRGAP1):c.2566C>G (p.Pro856Ala)

Gene: SRGAP1 (SLIT-ROBO Rho GTPase activating protein 1; plus strand). Cytogenetic location: 12q14.2.
Variant type: single nucleotide variant.
Coding change: c.2566C>G on transcript NM_020762.4 (MANE Select); coding-DNA position 2566, C replaced by G.
Protein change: p.Pro856Ala; replaces proline 856 with alanine.
Molecular consequence: missense variant.
Genome position (GRCh38, 1-based): chr12:64,127,886, C>G. VCF-style: chr12-64127886-C-G. GRCh37 (hg19) VCF-style: chr12-64521666-C-G.
Other names: c.2566C>G (NM_020762.2); c.2497C>G, p.Pro833Ala (NM_001346201.2); short protein forms P833A, P856A.
Identifiers: ClinVar variation 988161 (VCV000988161.2), dbSNP rs748723181, ClinGen allele CA6667054.
Genomic context (GRCh38, chr12:64,127,886, plus strand): 5'-TCTTCTGTTTTCTCCCTGTTTCTGTGAATGTCTAGGCAACGAAAAAGAGGAGAGCCACCC[C>G]CTCCAGTAAGGCGTCCTGGCAGGACCAGTGATGGCCATTGCCCGCTCCACCCTCCACATG-3'
Protein context (NP_065813.1, residues 846-866): ARQRKRGEPP[Pro856Ala]PVRRPGRTSD